The following is an entry in ClinVar:

NM_024675.4(PALB2):c.25del (p.Leu9fs)

Gene: PALB2 (partner and localizer of BRCA2; minus strand). Cytogenetic location: 16p12.2.
Variant type: Deletion.
Coding change: c.25del on transcript NM_024675.4 (MANE Select); coding-DNA position 25, one base deleted (C; older notation c.25delC).
Protein change: p.Leu9fs; shifts the reading frame from leucine 9.
Molecular consequence: frameshift variant. On other transcripts: 5 prime UTR variant (10).
Genome position (GRCh38, 1-based): chr16:23,641,133, G deleted on the plus strand (C on the coding strand, the reverse complement: PALB2 is on the minus strand); the first of 4 consecutive G bases (chr16:23,641,133-23,641,136); deleting any one gives the same sequence. VCF-style (leftmost placement, unchanged base first): chr16-23641132-AG-A. GRCh37 (hg19) VCF-style: chr16-23652453-AG-A.
Other names: c.25del, p.Leu9fs (NM_001407296.1, NM_001407297.1, NM_001407298.1 and 5 more transcripts); c.-1719del (NM_001407304.1, NM_001407310.1); c.-995del (NM_001407305.1, NM_001407307.1, NM_001407309.1 and 1 more transcripts); c.-844del (NM_001407306.1, NM_001407308.1); c.-128del (NM_001407312.1, NM_001407313.1); short protein forms L9fs.
Identifiers: ClinVar variation 4721419 (VCV004721419.1).

ClinVar aggregate classification (germline): Pathogenic (1 of 4 stars; one submission).

Conditions:
Familial cancer of breast. Also called: hereditary breast carcinoma; BREAST CANCER, FAMILIAL; Hereditary breast cancer. Identifiers: Orphanet 227535, MedGen C0346153, MONDO:0016419, OMIM 114480. Disease mechanism: loss of function.

Submission:

Labcorp Genetics (formerly Invitae), Labcorp
Classification: Pathogenic for Familial cancer of breast. Last evaluated: 2025-07-09. Review status: criteria provided, single submitter. Criteria: Invitae Variant Classification Sherloc (09022015). Collection method: clinical testing. Allele origin: germline.
Comment: This sequence change creates a premature translational stop signal (p.Leu9Serfs*9) in the PALB2 gene. It is expected to result in an absent or disrupted protein product. Loss-of-function variants in PALB2 are known to be pathogenic (PMID: 17200668, 17200671, 17200672, 24136930, 25099575). This variant is not present in population databases (gnomAD no frequency). This variant has not been reported in the literature in individuals affected with PALB2-related conditions. For these reasons, this variant has been classified as Pathogenic.

Literature cited by the submitters: PubMed 17200668; PubMed 17200671; PubMed 17200672; PubMed 24136930; PubMed 25099575.